The following is an entry in ClinVar:

NM_015267.4(CUX2):c.674G>A (p.Arg225Gln)

Gene: CUX2 (cut like homeobox 2; plus strand). Cytogenetic location: 12q24.11.
Variant type: single nucleotide variant.
Coding change: c.674G>A on transcript NM_015267.4 (MANE Select); coding-DNA position 674, G replaced by A.
Protein change: p.Arg225Gln; replaces arginine 225 with glutamine.
Molecular consequence: missense variant.
Genome position (GRCh38, 1-based): chr12:111,296,509, G>A. VCF-style: chr12-111296509-G-A. GRCh37 (hg19) VCF-style: chr12-111734313-G-A.
Other names: c.488G>A, p.Arg163Gln (NM_001370598.1); short protein forms R163Q, R225Q.
Identifiers: ClinVar variation 2629077 (VCV002629077.1), dbSNP rs371574153, ClinGen allele CA6788437.

ClinVar aggregate classification (germline): Uncertain significance (1 of 4 stars; one submission).

Conditions:
CUX2-related disorder. Also called: CUX2-related condition.

Allele frequency attached by ClinVar (database versions not stated): gnomAD exomes 0.00004; ExAC 0.00009; TOPMed 0.00020; ESP Exome Variant Server 0.00024; gnomAD 0.00025.

Submission:

PreventionGenetics, part of Exact Sciences
Classification: Uncertain significance for CUX2-related condition. Last evaluated: 2022-10-20. Review status: criteria provided, single submitter. Criteria: ACMG Guidelines, 2015. Collection method: clinical testing. Allele origin: germline.
Comment: The CUX2 c.674G>A variant is predicted to result in the amino acid substitution p.Arg225Gln. To our knowledge, this variant has not been reported in the literature. This variant is reported in 0.085% of alleles in individuals of African descent in gnomAD. At this time, the clinical significance of this variant is uncertain due to the absence of conclusive functional and genetic evidence.